The following is an entry in ClinVar:

ClinVar aggregate classification (germline): Uncertain significance (1 of 4 stars; one submission).

Submission:

Labcorp Genetics (formerly Invitae), Labcorp
Classification: Uncertain significance. Last evaluated: 2020-07-03. Review status: criteria provided, single submitter. Criteria: Invitae Variant Classification Sherloc (09022015). Collection method: clinical testing. Allele origin: germline.
Comment: This variant results in a copy number gain of the genomic region encompassing the full coding sequence of the HMX1 gene. The boundaries of this event are unknown as they extend beyond the assayed region for this gene and therefore may encompass additional genes. As the precise location of this event is unknown, it may be in tandem or it may be located elsewhere in the genome. Isolated whole-gene copy number gains of HMX1 have not been reported in the literature. However, larger copy number events that include this gene have been reported (PMID: 29450879). In summary, the available evidence is currently insufficient to determine the role of this variant in disease. Therefore, it has been classified as a Variant of Uncertain Significance.

Literature cited by the submitters: PubMed 29450879.

NC_000004.11:g.(?_8847872)_(9157329_?)dup

Gene: HMX1 (H6 family homeobox 1; minus strand). Cytogenetic location: 4p16.1.
Variant type: Duplication.
Identifiers: ClinVar variation 1000346 (VCV001000346.1).